The following is an entry in ClinVar:

NM_014806.5(RUSC2):c.3412C>T (p.Pro1138Ser)

Gene: RUSC2 (RUN and SH3 domain containing 2; plus strand). Cytogenetic location: 9p13.3.
Variant type: single nucleotide variant.
Coding change: c.3412C>T on transcript NM_014806.5 (MANE Select); coding-DNA position 3412, C replaced by T.
Protein change: p.Pro1138Ser; replaces proline 1138 with serine.
Molecular consequence: missense variant. On other transcripts: non-coding transcript variant (1).
Genome position (GRCh38, 1-based): chr9:35,560,052, C>T. VCF-style: chr9-35560052-C-T. GRCh37 (hg19) VCF-style: chr9-35560049-C-T.
Other names: c.3412C>T, p.Pro1138Ser (NM_001135999.2); c.778C>T, p.Pro260Ser (NM_001330740.2); short protein forms P1138S, P260S.
Identifiers: ClinVar variation 1497891 (VCV001497891.6), dbSNP rs374923274, ClinGen allele CA5044155.

ClinVar aggregate classification (germline): Uncertain significance (1 of 4 stars; one submission).

Allele frequency attached by ClinVar (database versions not stated): TOPMed below 0.00001; gnomAD 0.00001; ESP Exome Variant Server 0.00008.
gnomAD v4.1: 26 of 1,605,612 alleles (0.0016%); highest among the groups gnomAD compares: East Asian, 0.0022%; no homozygotes.

Submission:

Labcorp Genetics (formerly Invitae), Labcorp
Classification: Uncertain significance. Last evaluated: 2023-08-07. Review status: criteria provided, single submitter. Criteria: Invitae Variant Classification Sherloc (09022015). Collection method: clinical testing. Allele origin: germline.
Comment: In summary, the available evidence is currently insufficient to determine the role of this variant in disease. Therefore, it has been classified as a Variant of Uncertain Significance. An algorithm developed to predict the effect of missense changes on protein structure and function (PolyPhen-2) suggests that this variant is likely to be disruptive. ClinVar contains an entry for this variant (Variation ID: 1497891). This variant has not been reported in the literature in individuals affected with RUSC2-related conditions. This variant is present in population databases (rs374923274, gnomAD 0.01%). This sequence change replaces proline, which is neutral and non-polar, with serine, which is neutral and polar, at codon 1138 of the RUSC2 protein (p.Pro1138Ser).